The following is an entry in ClinVar:

ClinVar aggregate classification (germline): Likely benign. Review status: criteria provided, multiple submitters, no conflicts (2 of 4 stars). 3 submissions from 3 submitters: Likely benign (2). 1 of the submissions does not count toward it. Last evaluated 2024-09-15.

Conditions:
TNC-related disorder. Also called: TNC-related condition.

Allele frequency attached by ClinVar (database versions not stated): gnomAD 0.00036 and 0.00038; ExAC 0.00042; gnomAD exomes 0.00043 and 0.00068; 1000 Genomes Project 30x 0.00047; 1000 Genomes Project 0.00060; ESP Exome Variant Server 0.00085.
gnomAD v4.1: 1,020 of 1,613,910 alleles (0.063%); highest among the groups gnomAD compares: Non-Finnish European, 0.077%; no homozygotes.

Submissions (3):

Blueprint Genetics
Classification: Likely benign. Last evaluated: 2024-09-15. Review status: criteria provided, single submitter. Criteria: ACMG Guidelines, 2015. Collection method: clinical testing. Allele origin: germline.

GeneDx
Classification: Likely benign. Last evaluated: 2021-05-05. Review status: criteria provided, single submitter. Criteria: GeneDx Variant Classification Process June 2021. Collection method: clinical testing. Allele origin: germline. Affected: yes.

PreventionGenetics, part of Exact Sciences
Classification: Likely benign for TNC-related condition. Last evaluated: 2019-03-13. Review status: no assertion criteria provided. Collection method: clinical testing. Allele origin: germline. Not counted in ClinVar's aggregate classification.
Comment: This variant is classified as likely benign based on ACMG/AMP sequence variant interpretation guidelines (Richards et al. 2015 PMID: 25741868, with internal and published modifications).

NM_002160.4(TNC):c.6273C>T (p.Ser2091=)

Gene: TNC (tenascin C; minus strand). Cytogenetic location: 9q33.1.
Variant type: single nucleotide variant.
Coding change: c.6273C>T on transcript NM_002160.4 (MANE Select); coding-DNA position 6273, C replaced by T.
Protein change: p.Ser2091=; no amino-acid change (serine 2091 retained).
Molecular consequence: synonymous variant.
Genome position (GRCh38, 1-based): chr9:115,026,592, G>A on the plus strand (C>T on the coding strand, the complement: TNC is on the minus strand). VCF-style: chr9-115026592-G-A. GRCh37 (hg19) VCF-style: chr9-117788871-G-A.
Identifiers: ClinVar variation 1316983 (VCV001316983.5), dbSNP rs142272539, ClinGen allele CA5207408.